The following is an entry in ClinVar:

NM_198578.4(LRRK2):c.6928A>G (p.Thr2310Ala)

Gene: LRRK2 (leucine rich repeat kinase 2; plus strand). Cytogenetic location: 12q12.
Variant type: single nucleotide variant.
Coding change: c.6928A>G on transcript NM_198578.4 (MANE Select); coding-DNA position 6928, A replaced by G.
Protein change: p.Thr2310Ala; replaces threonine 2310 with alanine.
Molecular consequence: missense variant.
Genome position (GRCh38, 1-based): chr12:40,359,344, A>G. VCF-style: chr12-40359344-A-G. GRCh37 (hg19) VCF-style: chr12-40753146-A-G.
Other names: short protein forms T2310A.
Identifiers: ClinVar variation 1420340 (VCV001420340.37), dbSNP rs202179802, ClinGen allele CA6514800.
Genomic context (GRCh38, chr12:40,359,344, plus strand): 5'-ATACTAAATATAGGAAATGTCAGTACTCCATTGATGTGTTTGAGTGAATCCACAAATTCA[A>G]CGGAAAGAAATGTAATGTGGGGAGGATGTGGCACAAAGATTTTCTCCTTTTCTAATGATT-3'
Protein context (NP_940980.4, residues 2300-2320): LMCLSESTNS[Thr2310Ala]ERNVMWGGCG

ClinVar aggregate classification (germline): Conflicting classifications of pathogenicity. Review status: criteria provided, conflicting classifications (1 of 4 stars). 3 submissions from 3 submitters: Uncertain significance (2); Likely benign (1). Last evaluated 2025-04-09.

Conditions:
Autosomal dominant Parkinson disease 8. Also called: LRRK2-Related Parkinson Disease; Parkinson disease 8; Parkinson disease 8, susceptibility to. Identifiers: Orphanet 411602, MedGen C1846862, MONDO:0011764, OMIM 607060.

Allele frequency attached by ClinVar (database versions not stated): ExAC 0.00003; gnomAD exomes 0.00005; gnomAD 0.00006; TOPMed 0.00011.
gnomAD v4.1: 144 of 1,613,252 alleles (0.0089%); highest among the groups gnomAD compares: Non-Finnish European, 0.011%; no homozygotes.

Submissions (3):

Labcorp Genetics (formerly Invitae), Labcorp
Classification: Uncertain significance for Autosomal dominant Parkinson disease 8. Last evaluated: 2025-04-09. Review status: criteria provided, single submitter. Criteria: Invitae Variant Classification Sherloc (09022015). Collection method: clinical testing. Allele origin: germline.
Comment: This sequence change replaces threonine, which is neutral and polar, with alanine, which is neutral and non-polar, at codon 2310 of the LRRK2 protein (p.Thr2310Ala). This variant is present in population databases (rs202179802, gnomAD 0.02%). This missense change has been observed in individual(s) with Parkinson disease (PMID: 30598256). ClinVar contains an entry for this variant (Variation ID: 1420340). Invitae Evidence Modeling of protein sequence and biophysical properties (such as structural, functional, and spatial information, amino acid conservation, physicochemical variation, residue mobility, and thermodynamic stability) indicates that this missense variant is not expected to disrupt LRRK2 protein function with a negative predictive value of 80%. In summary, the available evidence is currently insufficient to determine the role of this variant in disease. Therefore, it has been classified as a Variant of Uncertain Significance.

CeGaT Center for Human Genetics Tuebingen
Classification: Likely benign. Last evaluated: 2022-11-01. Review status: criteria provided, single submitter. Criteria: CeGaT Center For Human Genetics Tuebingen Variant Classification Criteria Version 2. Collection method: clinical testing. Allele origin: germline. Affected: yes. Observed: 1 variant allele.
Comment: LRRK2: BP4

Fulgent Genetics
Classification: Uncertain significance for Autosomal dominant Parkinson disease 8. Last evaluated: 2022-05-31. Review status: criteria provided, single submitter. Criteria: ACMG Guidelines, 2015. Collection method: clinical testing. Allele origin: unknown.

Literature cited by the submitters: PubMed 30598256 (cited by Labcorp Genetics (formerly Invitae), Labcorp).